The following is an entry in ClinVar:

ClinVar aggregate classification (germline): Uncertain significance. Review status: criteria provided, multiple submitters, no conflicts (2 of 4 stars). 2 submissions from 2 submitters: Uncertain significance (2). Last evaluated 2025-10-11.

Conditions:
Familial sleep-related hypermotor epilepsy. Also called: Autosomal Dominant Sleep-Related Hypermotor (Hyperkinetic) Epilepsy. Identifiers: Orphanet 98784, MedGen C3696898, MONDO:0000030.

Allele frequency attached by ClinVar (database versions not stated): gnomAD 0.00001; gnomAD exomes below 0.00001; ExAC 0.00001.
gnomAD v4.1: 20 of 1,611,612 alleles (0.0012%); highest among the groups gnomAD compares: Non-Finnish European, 0.0016%; no homozygotes.

Submissions (2):

Labcorp Genetics (formerly Invitae), Labcorp
Classification: Uncertain significance. Last evaluated: 2025-10-11. Review status: criteria provided, single submitter. Criteria: Invitae Variant Classification Sherloc (09022015). Collection method: clinical testing. Allele origin: germline.
Comment: This sequence change replaces threonine, which is neutral and polar, with serine, which is neutral and polar, at codon 93 of the CHRNB2 protein (p.Thr93Ser). This variant is present in population databases (rs752355994, gnomAD 0.0009%). This variant has not been reported in the literature in individuals affected with CHRNB2-related conditions. ClinVar contains an entry for this variant (Variation ID: 420484). Invitae Evidence Modeling of protein sequence and biophysical properties (such as structural, functional, and spatial information, amino acid conservation, physicochemical variation, residue mobility, and thermodynamic stability) indicates that this missense variant is not expected to disrupt CHRNB2 protein function with a negative predictive value of 80%. In summary, the available evidence is currently insufficient to determine the role of this variant in disease. Therefore, it has been classified as a Variant of Uncertain Significance.

GeneDx
Classification: Uncertain significance. Last evaluated: 2020-01-23. Review status: criteria provided, single submitter. Criteria: GeneDx Variant Classification Process June 2021. Collection method: clinical testing. Allele origin: germline. Affected: yes.
Comment: Not observed at a significant frequency in large population cohorts (Lek et al., 2016); In silico analysis, which includes protein predictors and evolutionary conservation, supports that this variant does not alter protein structure/function; Has not been previously published as pathogenic or benign to our knowledge

NM_000748.3(CHRNB2):c.277A>T (p.Thr93Ser)

Gene: CHRNB2 (cholinergic receptor nicotinic beta 2 subunit; plus strand). Cytogenetic location: 1q21.3.
Variant type: single nucleotide variant.
Coding change: c.277A>T on transcript NM_000748.3 (MANE Select); coding-DNA position 277, A replaced by T.
Protein change: p.Thr93Ser; replaces threonine 93 with serine.
Molecular consequence: missense variant.
Genome position (GRCh38, 1-based): chr1:154,570,279, A>T. VCF-style: chr1-154570279-A-T. GRCh37 (hg19) VCF-style: chr1-154542755-A-T.
Other names: short protein forms T93S.
Identifiers: ClinVar variation 420484 (VCV000420484.13), dbSNP rs752355994, ClinGen allele CA1130691.